The following is an entry in ClinVar:

ClinVar aggregate classification (germline): Likely benign (0 of 4 stars; one submission).

Conditions:
STEAP2-related disorder. Also called: STEAP2-related condition.

Allele frequency attached by ClinVar (database versions not stated): gnomAD exomes 0.00015; ExAC 0.00031; ESP Exome Variant Server 0.00058; gnomAD 0.00058; 1000 Genomes Project 0.00060; TOPMed 0.00072; 1000 Genomes Project 30x 0.00078.

Submission:

PreventionGenetics, part of Exact Sciences
Classification: Likely benign for STEAP2-related condition. Last evaluated: 2023-07-31. Review status: no assertion criteria provided. Collection method: clinical testing. Allele origin: germline.
Comment: This variant is classified as likely benign based on ACMG/AMP sequence variant interpretation guidelines (Richards et al. 2015 PMID: 25741868, with internal and published modifications).

NM_001244944.2(STEAP2):c.*4331T>C

Gene: STEAP2 (STEAP2 metalloreductase; plus strand). Cytogenetic location: 7q21.13.
Variant type: single nucleotide variant.
Coding change: c.*4331T>C on transcript NM_001244944.2 (MANE Select); 4331 bases downstream of the stop codon, T replaced by C.
Molecular consequence: 3 prime UTR variant. On other transcripts: missense variant (1).
Genome position (GRCh38, 1-based): chr7:90,236,955, T>C. VCF-style: chr7-90236955-T-C. GRCh37 (hg19) VCF-style: chr7-89866269-T-C.
Other names: c.*4331T>C (NM_001040665.2, NM_152999.4); c.*33T>C (NM_001040666.2, NM_001244945.2); c.1250T>C, p.Leu417Pro (NM_001244946.2); short protein forms L417P.
Identifiers: ClinVar variation 3050426 (VCV003050426.2), dbSNP rs376208471, ClinGen allele CA4333109.